The following is an entry in ClinVar:

NM_001363118.2(SLC52A2):c.832T>C (p.Cys278Arg)

Gene: SLC52A2 (solute carrier family 52 member 2; plus strand). Cytogenetic location: 8q24.3.
Variant type: single nucleotide variant.
Coding change: c.832T>C on transcript NM_001363118.2 (MANE Select); coding-DNA position 832, T replaced by C.
Protein change: p.Cys278Arg; replaces cysteine 278 with arginine.
Molecular consequence: missense variant. On other transcripts: non-coding transcript variant (1).
Genome position (GRCh38, 1-based): chr8:144,360,324, T>C. VCF-style: chr8-144360324-T-C. GRCh37 (hg19) VCF-style: chr8-145583984-T-C.
Other names: c.832T>C, p.Cys278Arg (NM_001253815.2, NM_001253816.2, NM_001363120.2 and 2 more transcripts); c.340T>C, p.Cys114Arg (NM_001363122.2); short protein forms C278R, C114R.
Identifiers: ClinVar variation 1355277 (VCV001355277.6), dbSNP rs2130645915, ClinGen allele CA372628057.

ClinVar aggregate classification (germline): Uncertain significance (1 of 4 stars; one submission).

Conditions:
Brown-Vialetto-van Laere syndrome 2. Also called: SPINOCEREBELLAR ATAXIA WITH BLINDNESS AND DEAFNESS 2; Riboflavin transporter deficiency type 2. Identifiers: Orphanet 572543, Orphanet 97229, MedGen C3553538, MONDO:0013867, OMIM 614707.

Submission:

Labcorp Genetics (formerly Invitae), Labcorp
Classification: Uncertain significance for Brown-Vialetto-van Laere syndrome 2. Last evaluated: 2021-09-24. Review status: criteria provided, single submitter. Criteria: Invitae Variant Classification Sherloc (09022015). Collection method: clinical testing. Allele origin: germline.
Comment: In summary, the available evidence is currently insufficient to determine the role of this variant in disease. Therefore, it has been classified as a Variant of Uncertain Significance. Algorithms developed to predict the effect of missense changes on protein structure and function are either unavailable or do not agree on the potential impact of this missense change (SIFT: "Deleterious"; PolyPhen-2: "Benign"; Align-GVGD: "Class C0"). This variant has not been reported in the literature in individuals affected with SLC52A2-related conditions. This variant is not present in population databases (ExAC no frequency). This sequence change replaces cysteine with arginine at codon 278 of the SLC52A2 protein (p.Cys278Arg). The cysteine residue is moderately conserved and there is a large physicochemical difference between cysteine and arginine.